The following is an entry in ClinVar:

ClinVar aggregate classification (germline): Uncertain significance (1 of 4 stars; one submission).

Submission:

Labcorp Genetics (formerly Invitae), Labcorp
Classification: Uncertain significance. Last evaluated: 2024-10-31. Review status: criteria provided, single submitter. Criteria: Invitae Variant Classification Sherloc (09022015). Collection method: clinical testing. Allele origin: germline.
Comment: This sequence change replaces glutamic acid, which is acidic and polar, with glycine, which is neutral and non-polar, at codon 137 of the IL18BP protein (p.Glu137Gly). This variant is not present in population databases (gnomAD no frequency). This variant has not been reported in the literature in individuals affected with IL18BP-related conditions. An algorithm developed to predict the effect of missense changes on protein structure and function (PolyPhen-2) suggests that this variant is likely to be tolerated. In summary, the available evidence is currently insufficient to determine the role of this variant in disease. Therefore, it has been classified as a Variant of Uncertain Significance.

NM_001039660.2(IL18BP):c.410A>G (p.Glu137Gly)

Gene: IL18BP (interleukin 18 binding protein; plus strand). Cytogenetic location: 11q13.4.
Variant type: single nucleotide variant.
Coding change: c.410A>G on transcript NM_001039660.2 (MANE Select); coding-DNA position 410, A replaced by G.
Protein change: p.Glu137Gly; replaces glutamic acid 137 with glycine.
Molecular consequence: missense variant. On other transcripts: intron variant (2).
Genome position (GRCh38, 1-based): chr11:72,001,455, A>G. VCF-style: chr11-72001455-A-G. GRCh37 (hg19) VCF-style: chr11-71712501-A-G.
Other names: c.410A>G, p.Glu137Gly (NM_001039659.2, NM_001145057.1, NM_005699.3 and 1 more transcripts); c.379+31A>G (NM_173044.3); c.236-329A>G (NM_001145055.1); short protein forms E137G.
Identifiers: ClinVar variation 3690031 (VCV003690031.2).
Genomic context (GRCh38, chr11:72,001,455, plus strand): 5'-TCCGCTCCAGCCGGGAACGTGGGAGCACAGGTACGCAGCTGTGCAAGGCCTTGGTGCTGG[A>G]GCAGCTGACCCCTGCCCTGCACAGCACCAACTTCTCCTGTGTGCTCGTGGACCCTGAACA-3'
Protein context (NP_001034749.1, residues 127-147): GTQLCKALVL[Glu137Gly]QLTPALHSTN